The following is an entry in ClinVar:

NM_000875.5(IGF1R):c.247G>A (p.Glu83Lys)

Gene: IGF1R (insulin like growth factor 1 receptor; plus strand). Cytogenetic location: 15q26.3.
Variant type: single nucleotide variant.
Coding change: c.247G>A on transcript NM_000875.5 (MANE Select); coding-DNA position 247, G replaced by A.
Protein change: p.Glu83Lys; replaces glutamic acid 83 with lysine.
Molecular consequence: missense variant.
Genome position (GRCh38, 1-based): chr15:98,707,714, G>A. VCF-style: chr15-98707714-G-A. GRCh37 (hg19) VCF-style: chr15-99250943-G-A.
Other names: c.247G>A, p.Glu83Lys (NM_001291858.2); short protein forms E83K.
Identifiers: ClinVar variation 3337175 (VCV003337175.3).
Genomic context (GRCh38, chr15:98,707,714, plus strand): 5'-CTCATCTCCAAGGCCGAGGACTACCGCAGCTACCGCTTCCCCAAGCTCACGGTCATTACC[G>A]AGTACTTGCTGCTGTTCCGAGTGGCTGGCCTCGAGAGCCTCGGAGACCTCTTCCCCAACC-3'
Protein context (NP_000866.1, residues 73-93): YRFPKLTVIT[Glu83Lys]YLLLFRVAGL

ClinVar aggregate classification (germline): Conflicting classifications of pathogenicity. Review status: criteria provided, conflicting classifications (1 of 4 stars). 2 submissions from 2 submitters: Likely pathogenic (1); Uncertain significance (1). Last evaluated 2026-06-10.

Conditions:
Growth delay due to insulin-like growth factor I resistance. Also called: Insulin-Like Growth Factor I Resistance; Somatomedin end-organ insensitivity to; Somatomedin-c resistance to; IGF-1 resistance; IGF-I RESISTANCE. Identifiers: Orphanet 73273, MedGen C1849157, MONDO:0010038, OMIM 270450.

Submissions (2):

Clinical Genetics Laboratory, Skane University Hospital Lund
Classification: Likely pathogenic for Growth delay due to insulin-like growth factor I resistance. Last evaluated: 2026-06-10. Review status: criteria provided, single submitter. Criteria: ACMG Guidelines, 2015. Collection method: clinical testing. Allele origin: germline. Affected: yes.
Comment: IGF1R (NM_000875.5) c.247G>A, p.(Glu83Lys) denotes a nucleotide substitution in exon 2 of 21, resulting in the amino acid change indicated above, which is predicted to be deleterious to protein function. The IGF1R c.247G>A variant has not been identified in the general population and has previously been reported internally as a variant of uncertain significance (VUS) in the ClinVar database (Accession: VCV003337175.1). The variant has been classified as likely pathogenic according to the following ACMG criteria: PM2, PP1_Moderate, PP3, and PP4.

Blueprint Genetics
Classification: Uncertain significance. Last evaluated: 2024-09-23. Review status: criteria provided, single submitter. Criteria: ACMG Guidelines, 2015. Collection method: clinical testing. Allele origin: germline.